The following is an entry in ClinVar:

NM_004373.4(COX6A1):c.103+12G>A

Gene: COX6A1 (cytochrome c oxidase subunit 6A1; plus strand). Cytogenetic location: 12q24.31.
Variant type: single nucleotide variant.
Coding change: c.103+12G>A on transcript NM_004373.4 (MANE Select); 12 bases into the intron after coding-DNA position 103, G replaced by A.
Molecular consequence: intron variant.
Genome position (GRCh38, 1-based): chr12:120,438,241, G>A. VCF-style: chr12-120438241-G-A. GRCh37 (hg19) VCF-style: chr12-120876044-G-A.
Identifiers: ClinVar variation 682112 (VCV000682112.9), dbSNP rs138571094, ClinGen allele CA6827983.

ClinVar aggregate classification (germline): Benign/Likely benign. Review status: criteria provided, multiple submitters, no conflicts (2 of 4 stars). 2 submissions from 2 submitters: Benign (1); Likely benign (1). Last evaluated 2026-01-27.

Allele frequency attached by ClinVar (database versions not stated): gnomAD exomes 0.00012 and 0.00037; ExAC 0.00041; 1000 Genomes Project 0.00060; 1000 Genomes Project 30x 0.00078; gnomAD 0.00147 and 0.00160; ESP Exome Variant Server 0.00162; TOPMed 0.00163.
gnomAD v4.1: 410 of 1,612,724 alleles (0.025%); highest among the groups gnomAD compares: African/African-American, 0.46%; 1 homozygote.

Submissions (2):

Labcorp Genetics (formerly Invitae), Labcorp
Classification: Benign. Last evaluated: 2026-01-27. Review status: criteria provided, single submitter. Criteria: Invitae Variant Classification Sherloc (09022015). Collection method: clinical testing. Allele origin: germline.

GeneDx
Classification: Likely benign. Last evaluated: 2018-04-23. Review status: criteria provided, single submitter. Criteria: GeneDx Variant Classification (06012015). Collection method: clinical testing. Allele origin: germline. Affected: yes.
Comment: This variant is considered likely benign or benign based on one or more of the following criteria: it is a conservative change, it occurs at a poorly conserved position in the protein, it is predicted to be benign by multiple in silico algorithms, and/or has population frequency not consistent with disease.